The following is an entry in ClinVar:

ClinVar aggregate classification (germline): Uncertain significance (1 of 4 stars; one submission).

Conditions:
Fanconi anemia (FA). Also called: Fanconi's anemia. Identifiers: Orphanet 84, MedGen C0015625, MeSH D005199, MONDO:0019391.

Submission:

Labcorp Genetics (formerly Invitae), Labcorp
Classification: Uncertain significance for Fanconi anemia. Last evaluated: 2021-08-31. Review status: criteria provided, single submitter. Criteria: Invitae Variant Classification Sherloc (09022015). Collection method: clinical testing. Allele origin: germline.
Comment: This sequence change replaces leucine with proline at codon 50 of the FANCA protein (p.Leu50Pro). The leucine residue is moderately conserved and there is a moderate physicochemical difference between leucine and proline. This variant is not present in population databases (ExAC no frequency). This variant has not been reported in the literature in individuals affected with FANCA-related conditions. Algorithms developed to predict the effect of missense changes on protein structure and function are either unavailable or do not agree on the potential impact of this missense change (SIFT: "Deleterious"; PolyPhen-2: "Possibly Damaging"; Align-GVGD: "Class C0"). In summary, the available evidence is currently insufficient to determine the role of this variant in disease. Therefore, it has been classified as a Variant of Uncertain Significance.

NM_000135.4(FANCA):c.149T>C (p.Leu50Pro)

Gene: FANCA (FA complementation group A; minus strand). Cytogenetic location: 16q24.3.
Variant type: single nucleotide variant.
Coding change: c.149T>C on transcript NM_000135.4 (MANE Select); coding-DNA position 149, T replaced by C.
Protein change: p.Leu50Pro; replaces leucine 50 with proline.
Molecular consequence: missense variant.
Genome position (GRCh38, 1-based): chr16:89,815,917, A>G on the plus strand (T>C on the coding strand, the complement: FANCA is on the minus strand). VCF-style: chr16-89815917-A-G. GRCh37 (hg19) VCF-style: chr16-89882325-A-G.
Other names: c.149T>C, p.Leu50Pro (NM_001018112.3, NM_001286167.3, NM_001351830.2); short protein forms L50P.
Identifiers: ClinVar variation 1519881 (VCV001519881.5), dbSNP rs2143723758, ClinGen allele CA397483347.
Genomic context (GRCh38, chr16:89,815,917, plus strand): 5'-GGACACCAGCTTCCTCTTACCTCAAGCAAAAGGGCATTCAGGTCCTGATGGCTTCGCAGG[A>G]GGCGCACAGCTGATTCCTTTAATTTCTGTGCCCTTTCAGGATTATATTTTTCCCTCTTGA-3'
Protein context (NP_000126.2, residues 40-60): AQKLKESAVR[Leu50Pro]LRSHQDLNAL